The following is an entry in ClinVar:

NM_022455.5(NSD1):c.1262G>A (p.Trp421Ter)

Gene: NSD1 (nuclear receptor binding SET domain protein 1; plus strand). Cytogenetic location: 5q35.3.
Variant type: single nucleotide variant.
Coding change: c.1262G>A on transcript NM_022455.5 (MANE Select); coding-DNA position 1262, G replaced by A.
Protein change: p.Trp421Ter; replaces tryptophan 421 with a stop codon.
Molecular consequence: nonsense.
Genome position (GRCh38, 1-based): chr5:177,209,661, G>A. VCF-style: chr5-177209661-G-A. GRCh37 (hg19) VCF-style: chr5-176636662-G-A.
Other names: c.389G>A, p.Trp130Ter (NM_001365684.2, NM_001409306.1, NM_001409307.1 and 3 more transcripts); c.1262G>A, p.Trp421Ter (NM_001409301.1, NM_001409302.1, NM_001409303.1); c.842G>A, p.Trp281Ter (NM_001409304.1); c.509G>A, p.Trp170Ter (NM_001409305.1); short protein forms W421*, W152*, W281*, W130*, W170*.
Identifiers: ClinVar variation 159263 (VCV000159263.8), dbSNP rs587784071, ClinGen allele CA294790.

ClinVar aggregate classification (germline): Pathogenic. Review status: criteria provided, multiple submitters, no conflicts (2 of 4 stars). 2 submissions from 2 submitters: Pathogenic (2). Last evaluated 2026-02-23.

Conditions:
Sotos syndrome (SOTOS). Also called: Distinctive facial appearance, overgrowth in childhood, and learning disabilities or delayed development; CEREBRAL GIGANTISM; Sotos' syndrome; CHROMOSOME 5q35 DELETION SYNDROME; SOTOS SYNDROME 1. Identifiers: Orphanet 821, MedGen C0175695, MONDO:0019349, OMIM 117550.

Submissions (2):

GeneDx
Classification: Pathogenic. Last evaluated: 2026-02-23. Review status: criteria provided, single submitter. Criteria: GeneDx Variant Classification Process June 2021. Collection method: clinical testing. Allele origin: germline.
Comment: Nonsense variant predicted to result in protein truncation or nonsense mediated decay in a gene for which loss of function is a known mechanism of disease; Not observed at significant frequency in large population cohorts (gnomAD); This variant is associated with the following publications: (PMID: 25525159, 16247291, 40693312)

Genetic Services Laboratory, University of Chicago
Classification: Pathogenic for Sotos syndrome 1. Last evaluated: 2013-02-08. Review status: criteria provided, single submitter. Criteria: ACMG Guidelines, 2007. Collection method: clinical testing. Allele origin: germline. Inheritance: Autosomal dominant inheritance. Affected: yes.